The following is an entry in ClinVar:

ClinVar aggregate classification (germline): Uncertain significance (1 of 4 stars; one submission).

Allele frequency attached by ClinVar (database versions not stated): gnomAD exomes below 0.00001.
gnomAD v4.1: 1 of 1,613,200 alleles (0.000062%); highest among the groups gnomAD compares: Admixed American, 0.0017%; no homozygotes.

Submission:

Labcorp Genetics (formerly Invitae), Labcorp
Classification: Uncertain significance. Last evaluated: 2020-10-25. Review status: criteria provided, single submitter. Criteria: Invitae Variant Classification Sherloc (09022015). Collection method: clinical testing. Allele origin: germline.
Comment: This sequence change replaces lysine with arginine at codon 758 of the RBP3 protein (p.Lys758Arg). The lysine residue is highly conserved and there is a small physicochemical difference between lysine and arginine. This variant is not present in population databases (ExAC no frequency). This variant has not been reported in the literature in individuals with RBP3-related conditions. Algorithms developed to predict the effect of missense changes on protein structure and function output the following: SIFT: "Tolerated"; PolyPhen-2: "Possibly Damaging"; Align-GVGD: "Class C0". The arginine amino acid residue is found in multiple mammalian species, suggesting that this missense change does not adversely affect protein function. These predictions have not been confirmed by published functional studies and their clinical significance is uncertain. In summary, the available evidence is currently insufficient to determine the role of this variant in disease. Therefore, it has been classified as a Variant of Uncertain Significance.

NM_002900.3(RBP3):c.2273A>G (p.Lys758Arg)

Gene: RBP3 (retinol binding protein 3; plus strand). Cytogenetic location: 10q11.22.
Variant type: single nucleotide variant.
Coding change: c.2273A>G on transcript NM_002900.3 (MANE Select); coding-DNA position 2273, A replaced by G.
Protein change: p.Lys758Arg; replaces lysine 758 with arginine.
Molecular consequence: missense variant.
Genome position (GRCh38, 1-based): chr10:47,350,757, A>G. VCF-style: chr10-47350757-A-G. GRCh37 (hg19) VCF-style: chr10-48388605-T-C.
Other names: short protein forms K758R.
Identifiers: ClinVar variation 1009674 (VCV001009674.8), dbSNP rs1836956908, ClinGen allele CA376672725.
Genomic context (GRCh38, chr10:47,350,757, plus strand): 5'-TGCTGCCCGGCCAGCTGGGCTACCTGCGTTTTGACGCCATGGCTGAACTGGAGACAGTGA[A>G]GGCCGTGGGGCCACAGCTGGTGCGGCTGGTATGGCAACAGCTGGTGGACACGGCTGCGCT-3'
Protein context (NP_002891.1, residues 748-768): FDAMAELETV[Lys758Arg]AVGPQLVRLV